The following is an entry in ClinVar:

ClinVar aggregate classification (germline): Likely pathogenic (1 of 4 stars; one submission).

Conditions:
Developmental and epileptic encephalopathy, 8 (DEE8). Also called: HYPEREKPLEXIA AND EPILEPSY. Identifiers: Orphanet 163985, Orphanet 2076, MedGen C1845102, MONDO:0010375, OMIM 300607.

Submission:

Baylor Genetics
Classification: Likely pathogenic for Developmental and epileptic encephalopathy, 8. Last evaluated: 2018-02-02. Review status: criteria provided, single submitter. Criteria: ACMG Guidelines, 2015. Collection method: clinical testing. Allele origin: de novo. Affected: yes.
Comment: This variant was determined to be likely pathogenic according to ACMG Guidelines, 2015 [PMID:25741868]. Single nucleotide variations or chromosomal rearrangements disrupting ARHGEF9 gene have been reported in male patients with intellectual disabilities [PMID: 21633362, 23033978, 28589176] However, only chromosomal rearrangements but no single nucleotide variations disrupting ARHGEF9 gene have been reported in female patients with intellectual disabilities to our knowledge [PMID: 28589176, 27238888] In fact, a heterozygous c.4C>T (p.Q2*) variant in ARHGEF9 has been reported in a healthy mother [PMID: 21633362]

Literature cited by the submitters: PubMed 21633362; PubMed 23033978; PubMed 28589176; PubMed 27238888.

NM_001353921.2(ARHGEF9):c.402+1G>A

Gene: ARHGEF9 (Cdc42 guanine nucleotide exchange factor 9; minus strand). Cytogenetic location: Xq11.1.
Variant type: single nucleotide variant.
Coding change: c.402+1G>A on transcript NM_001353921.2 (MANE Select); the canonical splice donor site of the intron after coding-DNA position 402, G replaced by A.
Molecular consequence: splice donor variant.
Genome position (GRCh38, 1-based): chrX:63,706,257, C>T on the plus strand (G>A on the coding strand, the complement: ARHGEF9 is on the minus strand). VCF-style: chrX-63706257-C-T. GRCh37 (hg19) VCF-style: chrX-62926137-C-T.
Other names: c.222+1G>A (NM_001173479.2); c.402+1G>A (NM_001353922.2); c.318+1G>A (NM_001369043.1, NM_001330495.2, NM_001369038.1 and 8 more transcripts); c.420+1G>A (NM_001353923.1); c.201+1G>A (NM_001369040.1, NM_001369039.1, NM_001353926.2 and 1 more transcripts); c.381+1G>A (NM_001369031.1, NM_001369030.1, NM_001369032.1 and 2 more transcripts); c.-302+1G>A (NM_001369045.1); c.75+1G>A (NM_001173480.2, NM_001369042.1).
Identifiers: ClinVar variation 1031879 (VCV001031879.1), dbSNP rs2052538764, ClinGen allele CA413401357.